The following is an entry in ClinVar:

NM_182943.3(PLOD2):c.684A>T (p.Glu228Asp)

Gene: PLOD2 (procollagen-lysine,2-oxoglutarate 5-dioxygenase 2; minus strand). Cytogenetic location: 3q24.
Variant type: single nucleotide variant.
Coding change: c.684A>T on transcript NM_182943.3 (MANE Select); coding-DNA position 684, A replaced by T.
Protein change: p.Glu228Asp; replaces glutamic acid 228 with aspartic acid.
Molecular consequence: missense variant.
Genome position (GRCh38, 1-based): chr3:146,102,848, T>A on the plus strand (A>T on the coding strand, the complement: PLOD2 is on the minus strand). VCF-style: chr3-146102848-T-A. GRCh37 (hg19) VCF-style: chr3-145820635-T-A.
Other names: c.684A>T, p.Glu228Asp (NM_000935.3); short protein forms E228D.
Identifiers: ClinVar variation 1503634 (VCV001503634.7), dbSNP rs937990206, ClinGen allele CA354894163.

ClinVar aggregate classification (germline): Uncertain significance. Review status: criteria provided, multiple submitters, no conflicts (2 of 4 stars). 2 submissions from 2 submitters: Uncertain significance (2). Last evaluated 2025-02-19.

Allele frequency attached by ClinVar (database versions not stated): gnomAD exomes below 0.00001.
gnomAD v4.1: 11 of 1,529,600 alleles (0.00072%); highest among the groups gnomAD compares: Middle Eastern, 0.017%; no homozygotes.

Submissions (2):

Labcorp Genetics (formerly Invitae), Labcorp
Classification: Uncertain significance. Last evaluated: 2025-02-19. Review status: criteria provided, single submitter. Criteria: Invitae Variant Classification Sherloc (09022015). Collection method: clinical testing. Allele origin: germline.
Comment: This sequence change replaces glutamic acid, which is acidic and polar, with aspartic acid, which is acidic and polar, at codon 228 of the PLOD2 protein (p.Glu228Asp). This variant is present in population databases (no rsID available, gnomAD 0.0009%). This variant has not been reported in the literature in individuals affected with PLOD2-related conditions. ClinVar contains an entry for this variant (Variation ID: 1503634). An algorithm developed to predict the effect of missense changes on protein structure and function (PolyPhen-2) suggests that this variant is likely to be disruptive. In summary, the available evidence is currently insufficient to determine the role of this variant in disease. Therefore, it has been classified as a Variant of Uncertain Significance.

Blueprint Genetics
Classification: Uncertain significance. Last evaluated: 2023-11-21. Review status: criteria provided, single submitter. Criteria: ACMG Guidelines, 2015. Collection method: clinical testing. Allele origin: germline.